The following is an entry in ClinVar:

NM_013275.6(ANKRD11):c.6075C>G (p.Tyr2025Ter)

Gene: ANKRD11 (ankyrin repeat domain 11; minus strand). Cytogenetic location: 16q24.3.
Variant type: single nucleotide variant.
Coding change: c.6075C>G on transcript NM_013275.6 (MANE Select); coding-DNA position 6075, C replaced by G.
Protein change: p.Tyr2025Ter; replaces tyrosine 2025 with a stop codon.
Molecular consequence: nonsense.
Genome position (GRCh38, 1-based): chr16:89,280,467, G>C on the plus strand (C>G on the coding strand, the complement: ANKRD11 is on the minus strand). VCF-style: chr16-89280467-G-C. GRCh37 (hg19) VCF-style: chr16-89346875-G-C.
Other names: c.6075C>G, p.Tyr2025Ter (NM_001256182.2, NM_001256183.2); short protein forms Y2025*.
Identifiers: ClinVar variation 3362783 (VCV003362783.1).

ClinVar aggregate classification (germline): Pathogenic (1 of 4 stars; one submission).

Conditions:
KBG syndrome (KBGS). Also called: ANKRD11-Related KBG Syndrome. Identifiers: Orphanet 2332, MedGen C0220687, MONDO:0007846, OMIM 148050.

Submission:

Institute of Human Genetics, FAU Erlangen, Friedrich-Alexander-Universität Erlangen-Nürnberg
Classification: Pathogenic for KBG syndrome. Last evaluated: 2024-10-14. Review status: criteria provided, single submitter. Criteria: Hauer et al. (Genet Med. 2018). Collection method: clinical testing. Allele origin: germline. Inheritance: Autosomal dominant inheritance. Affected: yes. Observed: 1 variant allele.
Comment: This variant has been identified by standard clinical testing. Selected ACMG criteria: Pathogenic (I):PM2;PS2;PVS1